The following is an entry in ClinVar:

ClinVar aggregate classification (germline): Uncertain significance (1 of 4 stars; one submission).

Conditions:
Inborn genetic diseases. Identifiers: MedGen C0950123, MeSH D030342.

Submission:

Ambry Genetics
Classification: Uncertain significance for Inborn genetic diseases. Last evaluated: 2025-04-20. Review status: criteria provided, single submitter. Criteria: Ambry Variant Classification Scheme 2023. Collection method: clinical testing. Allele origin: germline.
Comment: The p.Q534L variant (also known as c.1601A>T), located in coding exon 16 of the ANKRD26 gene, results from an A to T substitution at nucleotide position 1601. The glutamine at codon 534 is replaced by leucine, an amino acid with dissimilar properties. This amino acid position is conserved. In addition, this alteration is predicted to be tolerated by in silico analysis. Based on the available evidence, the clinical significance of this variant remains unclear.

NM_014915.3(ANKRD26):c.1601A>T (p.Gln534Leu)

Gene: ANKRD26 (ankyrin repeat domain containing 26; minus strand). Cytogenetic location: 10p12.1.
Variant type: single nucleotide variant.
Coding change: c.1601A>T on transcript NM_014915.3 (MANE Select); coding-DNA position 1601, A replaced by T.
Protein change: p.Gln534Leu; replaces glutamine 534 with leucine.
Molecular consequence: missense variant.
Genome position (GRCh38, 1-based): chr10:27,053,354, T>A on the plus strand (A>T on the coding strand, the complement: ANKRD26 is on the minus strand). VCF-style: chr10-27053354-T-A. GRCh37 (hg19) VCF-style: chr10-27342283-T-A.
Other names: c.1601A>T, p.Gln534Leu (NM_001256053.2); short protein forms Q534L.
Identifiers: ClinVar variation 3913827 (VCV003913827.1).